The following is an entry in ClinVar:

ClinVar aggregate classification (germline): Uncertain significance. Review status: criteria provided, multiple submitters, no conflicts (2 of 4 stars). 3 submissions from 3 submitters: Uncertain significance (3). Last evaluated 2025-01-08.

Conditions:
Kabuki syndrome 1 (KABUK1). Also called: KMT2D-Related Kabuki Syndrome. Identifiers: Orphanet 2322, MedGen CN030661, MONDO:0007843, OMIM 147920.
Choanal atresia-athelia-hypothyroidism-delayed puberty-short stature syndrome (BCAHH). Also called: BRANCHIAL ARCH ABNORMALITIES, CHOANAL ATRESIA, ATHELIA, HEARING LOSS, AND HYPOTHYROIDISM SYNDROME. Identifiers: Orphanet 589856, MedGen C5680310, MONDO:0035651, OMIM 620186.
Kabuki syndrome. Also called: Kabuki make-up syndrome; NIIKAWA-KUROKI SYNDROME. Identifiers: Orphanet 2322, MedGen C0796004, MONDO:0016512.

Submissions (3):

Labcorp Genetics (formerly Invitae), Labcorp
Classification: Uncertain significance for Kabuki syndrome. Last evaluated: 2025-01-08. Review status: criteria provided, single submitter. Criteria: Invitae Variant Classification Sherloc (09022015). Collection method: clinical testing. Allele origin: germline.
Comment: This sequence change replaces proline, which is neutral and non-polar, with leucine, which is neutral and non-polar, at codon 585 of the KMT2D protein (p.Pro585Leu). This variant is not present in population databases (gnomAD no frequency). This missense change has been observed in individual(s) with Mayer–Rokitansky–Küster–Hauser syndrome (PMID: 35361250). ClinVar contains an entry for this variant (Variation ID: 1897294). Invitae Evidence Modeling of protein sequence and biophysical properties (such as structural, functional, and spatial information, amino acid conservation, physicochemical variation, residue mobility, and thermodynamic stability) indicates that this missense variant is not expected to disrupt KMT2D protein function with a negative predictive value of 95%. In summary, the available evidence is currently insufficient to determine the role of this variant in disease. Therefore, it has been classified as a Variant of Uncertain Significance.

Fulgent Genetics
Classification: Uncertain significance for Kabuki syndrome 1; Choanal atresia-athelia-hypothyroidism-delayed puberty-short stature syndrome. Last evaluated: 2024-04-04. Review status: criteria provided, single submitter. Criteria: ACMG Guidelines, 2015. Collection method: clinical testing. Allele origin: germline.

Blueprint Genetics
Classification: Uncertain significance. Last evaluated: 2020-08-28. Review status: criteria provided, single submitter. Criteria: ACMG Guidelines, 2015. Collection method: clinical testing. Allele origin: germline.

Literature cited by the submitters: PubMed 35361250 (cited by Labcorp Genetics (formerly Invitae), Labcorp).

NM_003482.4(KMT2D):c.1754C>T (p.Pro585Leu)

Gene: KMT2D (lysine methyltransferase 2D; minus strand). Cytogenetic location: 12q13.12.
Variant type: single nucleotide variant.
Coding change: c.1754C>T on transcript NM_003482.4 (MANE Select); coding-DNA position 1754, C replaced by T.
Protein change: p.Pro585Leu; replaces proline 585 with leucine.
Molecular consequence: missense variant.
Genome position (GRCh38, 1-based): chr12:49,051,929, G>A on the plus strand (C>T on the coding strand, the complement: KMT2D is on the minus strand). VCF-style: chr12-49051929-G-A. GRCh37 (hg19) VCF-style: chr12-49445712-G-A.
Other names: short protein forms P585L.
Identifiers: ClinVar variation 1897294 (VCV001897294.7), dbSNP rs2120679003, ClinGen allele CA384673232.
Genomic context (GRCh38, chr12:49,051,929, plus strand): 5'-TCTTCAAATGGTGGGAACAGACGAGATGCCTCCGGTGGTGGAGACATGGGTGACTCTTCA[G>A]GTGGAGGGGACATGGGTGACTCCTCAGGTGGTGGAGACAGGCGAGATGCTTCAGGTGGCG-3'
Protein context (NP_003473.3, residues 575-595): PPEESPMSPP[Pro585Leu]EESPMSPPPE